The following is an entry in ClinVar:

NM_014336.5(AIPL1):c.808C>A (p.Arg270Ser)

Gene: AIPL1 (AIP like 1 HSP90 co-chaperone; minus strand). Cytogenetic location: 17p13.2.
Variant type: single nucleotide variant.
Coding change: c.808C>A on transcript NM_014336.5 (MANE Select); coding-DNA position 808, C replaced by A.
Protein change: p.Arg270Ser; replaces arginine 270 with serine.
Molecular consequence: missense variant. On other transcripts: 3 prime UTR variant (1).
Genome position (GRCh38, 1-based): chr17:6,425,807, G>T on the plus strand (C>A on the coding strand, the complement: AIPL1 is on the minus strand). VCF-style: chr17-6425807-G-T. GRCh37 (hg19) VCF-style: chr17-6329127-G-T.
Other names: c.619C>A, p.Arg207Ser (NM_001033054.3); c.628C>A, p.Arg210Ser (NM_001033055.3); c.772C>A, p.Arg258Ser (NM_001285399.3); c.742C>A, p.Arg248Ser (NM_001285400.3); c.736C>A, p.Arg246Ser (NM_001285401.3); c.691C>A, p.Arg231Ser (NM_001285402.2); c.*779C>A (NM_001285403.4); short protein forms R207S, R210S, R231S, R246S, R248S, R258S, R270S.
Identifiers: ClinVar variation 4849185 (VCV004849185.2).

ClinVar aggregate classification (germline): Conflicting classifications of pathogenicity. Review status: criteria provided, conflicting classifications (1 of 4 stars). 2 submissions from 2 submitters: Likely pathogenic (1); Uncertain significance (1). Last evaluated 2026-04-21.

Conditions:
AIPL1-related disorder. Also called: AIPL1-related condition; AIPL1-related disorders. Identifiers: MedGen CN239169.

Submissions (2):

Women's Health and Genetics/Laboratory Corporation of America, LabCorp
Classification: Uncertain significance. Last evaluated: 2026-04-21. Review status: criteria provided, single submitter. Criteria: LabCorp Variant Classification Summary - May 2015. Collection method: clinical testing. Allele origin: germline.
Comment: Variant summary: AIPL1 c.808C>A (p.Arg270Ser) results in a non-conservative amino acid change in the encoded protein sequence. Algorithms developed to predict the effect of missense changes on protein structure and function all suggest that this variant is likely to be disruptive. The variant was absent in 241482 control chromosomes. The available data on variant occurrences in the general population are insufficient to allow any conclusion about variant significance. To our knowledge, no occurrence of c.808C>A in individuals affected with AIPL1-related conditions and no experimental evidence demonstrating its impact on protein function have been reported. No submitters have cited clinical-significance assessments for this variant to ClinVar. Based on the evidence outlined above, the variant was classified as uncertain significance.

Blueprint Genetics
Classification: Likely pathogenic for AIPL1-related disorders. Last evaluated: 2024-08-08. Review status: criteria provided, single submitter. Criteria: ACMG Guidelines, 2015. Collection method: clinical testing. Allele origin: germline. Affected: yes. Observed: 2 variant alleles.